The following is an entry in ClinVar:

ClinVar aggregate classification (germline): Benign/Likely benign. Review status: criteria provided, multiple submitters, no conflicts (2 of 4 stars). 5 submissions from 5 submitters: Benign (3); Likely benign (2). Last evaluated 2025-10-23.

Conditions:
Tuberous sclerosis 1 (TSC1). Identifiers: Orphanet 805, MedGen C1854465, MONDO:0008612, OMIM 191100.
Hereditary cancer-predisposing syndrome. Also called: Neoplastic Syndromes, Hereditary; Hereditary Cancer Syndrome; Tumor predisposition; Hereditary neoplastic syndrome. Identifiers: Orphanet 140162, MedGen C0027672, MeSH D009386, MONDO:0015356.

Allele frequency attached by ClinVar (database versions not stated): gnomAD exomes below 0.00001 and 0.00003; ExAC 0.00001; TOPMed 0.00002; gnomAD 0.00003.
gnomAD v4.1: 43 of 1,614,024 alleles (0.0027%); highest among the groups gnomAD compares: Non-Finnish European, 0.0036%; no homozygotes.

Submissions (5):

Labcorp Genetics (formerly Invitae), Labcorp
Classification: Benign for Tuberous sclerosis 1. Last evaluated: 2025-10-23. Review status: criteria provided, single submitter. Criteria: Invitae Variant Classification Sherloc (09022015). Collection method: clinical testing. Allele origin: germline.

Myriad Genetics, Inc.
Classification: Benign for Tuberous sclerosis 1. Last evaluated: 2025-04-08. Review status: criteria provided, single submitter. Criteria: Myriad Autosomal Dominant, Autosomal Recessive and X-Linked Classification Criteria (2023). Collection method: clinical testing. Allele origin: unknown.
Comment: This variant is considered benign. This variant is a silent/synonymous amino acid change and it is not expected to impact splicing.

Blueprint Genetics
Classification: Likely benign. Last evaluated: 2023-08-11. Review status: criteria provided, single submitter. Criteria: ACMG Guidelines, 2015. Collection method: clinical testing. Allele origin: germline.

Genome-Nilou Lab
Classification: Benign for Tuberous sclerosis 1. Last evaluated: 2021-11-07. Review status: criteria provided, single submitter. Criteria: ACMG Guidelines, 2015. Collection method: clinical testing. Allele origin: germline. Affected: no.

Ambry Genetics
Classification: Likely benign for Hereditary cancer-predisposing syndrome. Last evaluated: 2016-09-08. Review status: criteria provided, single submitter. Criteria: Ambry Variant Classification Scheme 2023. Collection method: clinical testing. Allele origin: germline.

NM_000368.5(TSC1):c.798C>T (p.Pro266=)

Gene: TSC1 (TSC complex subunit 1; minus strand). Cytogenetic location: 9q34.13.
Variant type: single nucleotide variant.
Coding change: c.798C>T on transcript NM_000368.5 (MANE Select); coding-DNA position 798, C replaced by T.
Protein change: p.Pro266=; no amino-acid change (proline 266 retained).
Molecular consequence: synonymous variant.
Genome position (GRCh38, 1-based): chr9:132,912,397, G>A on the plus strand (C>T on the coding strand, the complement: TSC1 is on the minus strand). VCF-style: chr9-132912397-G-A. GRCh37 (hg19) VCF-style: chr9-135787784-G-A.
Other names: c.798C>T, p.Pro266= (NM_001162426.2); c.645C>T, p.Pro215= (NM_001162427.2); c.435C>T, p.Pro145= (NM_001362177.2).
Identifiers: ClinVar variation 237725 (VCV000237725.19), dbSNP rs770704462, ClinGen allele CA038964.